The following is an entry in ClinVar:

NM_004369.4(COL6A3):c.4744G>T (p.Glu1582Ter)

Gene: COL6A3 (collagen type VI alpha 3 chain; minus strand). Cytogenetic location: 2q37.3.
Variant type: single nucleotide variant.
Coding change: c.4744G>T on transcript NM_004369.4 (MANE Select); coding-DNA position 4744, G replaced by T.
Protein change: p.Glu1582Ter; replaces glutamic acid 1582 with a stop codon.
Molecular consequence: nonsense.
Genome position (GRCh38, 1-based): chr2:237,368,719, C>A on the plus strand (G>T on the coding strand, the complement: COL6A3 is on the minus strand). VCF-style: chr2-237368719-C-A. GRCh37 (hg19) VCF-style: chr2-238277362-C-A.
Other names: c.4126G>T, p.Glu1376Ter (NM_057167.4); c.2923G>T, p.Glu975Ter (NM_057166.5); short protein forms E975*, E1582*, E1376*.
Identifiers: ClinVar variation 2010710 (VCV002010710.4), dbSNP rs2469888379, ClinGen allele CA351192213.
Genomic context (GRCh38, chr2:237,368,719, plus strand): 5'-GCTCTCTGAACTCTCGCACTGTGAAGACCAGTCTGGGGTCATTGGTGATGGTCTGCAGCT[C>A]TGTTCTGTCGATGTTCCGGTCTCCTACCCCTAAACTCACAATGCCCGAGGAACGGATCAC-3'

ClinVar aggregate classification (germline): Pathogenic (1 of 4 stars; one submission).

Conditions:
Bethlem myopathy 1A. Also called: MYOPATHY, BENIGN CONGENITAL, WITH CONTRACTURES; Bethlem myopathy 1; Bethlem Muscular Dystrophy. Identifiers: Orphanet 610, MedGen CN029274, MONDO:0024530, OMIM 158810.

Submission:

Labcorp Genetics (formerly Invitae), Labcorp
Classification: Pathogenic for Bethlem myopathy 1A. Last evaluated: 2022-06-25. Review status: criteria provided, single submitter. Criteria: Invitae Variant Classification Sherloc (09022015). Collection method: clinical testing. Allele origin: germline.
Comment: This variant has not been reported in the literature in individuals affected with COL6A3-related conditions. This variant is not present in population databases (gnomAD no frequency). This sequence change creates a premature translational stop signal (p.Glu1582*) in the COL6A3 gene. It is expected to result in an absent or disrupted protein product. Loss-of-function variants in COL6A3 are known to be pathogenic (PMID: 26004199). For these reasons, this variant has been classified as Pathogenic.

Literature cited by the submitters: PubMed 26004199.